The following is an entry in ClinVar:

ClinVar aggregate classification (germline): Uncertain significance (1 of 4 stars; one submission).

Conditions:
Cardiovascular phenotype. Identifiers: MedGen CN230736.

gnomAD v4.1: 10 of 1,549,404 alleles (0.00065%); highest among the groups gnomAD compares: South Asian, 0.0083%; 1 homozygote.

Submission:

Ambry Genetics
Classification: Uncertain significance for Cardiovascular phenotype. Last evaluated: 2024-04-04. Review status: criteria provided, single submitter. Criteria: Ambry Variant Classification Scheme 2023. Collection method: clinical testing. Allele origin: germline.
Comment: The p.R707H variant (also known as c.2120G>A), located in coding exon 1 of the ZNF469 gene, results from a G to A substitution at nucleotide position 2120. The arginine at codon 707 is replaced by histidine, an amino acid with highly similar properties. This amino acid position is conserved. In addition, this alteration is predicted to be tolerated by in silico analysis. Based on the available evidence, the clinical significance of this variant remains unclear.

NM_001367624.2(ZNF469):c.2120G>A (p.Arg707His)

Gene: ZNF469 (zinc finger protein 469; plus strand). Cytogenetic location: 16q24.2.
Variant type: single nucleotide variant.
Coding change: c.2120G>A on transcript NM_001367624.2 (MANE Select); coding-DNA position 2120, G replaced by A.
Protein change: p.Arg707His; replaces arginine 707 with histidine.
Molecular consequence: missense variant.
Genome position (GRCh38, 1-based): chr16:88,429,590, G>A. VCF-style: chr16-88429590-G-A. GRCh37 (hg19) VCF-style: chr16-88495998-G-A.
Other names: NM_001127464.1:c.2120G>A; short protein forms R707H.
Identifiers: ClinVar variation 3258228 (VCV003258228.1).
Genomic context (GRCh38, chr16:88,429,590, plus strand): 5'-AGACCCCATTCCCCCACGAGGGCCCCGAGGTGGGTCGGGGAGGGCTGCAGGGCTTCCCCC[G>A]TGCGCCGCCTCCGTACCCCACACACCACTTCTCCCTCAGCAGCGCCAGCCTGGACCAGCT-3'
Protein context (NP_001354553.1, residues 697-717): VGRGGLQGFP[Arg707His]APPPYPTHHF